The following is an entry in ClinVar:

NM_001844.5(COL2A1):c.1079G>C (p.Gly360Ala)

Gene: COL2A1 (collagen type II alpha 1 chain; minus strand). Cytogenetic location: 12q13.11.
Variant type: single nucleotide variant.
Coding change: c.1079G>C on transcript NM_001844.5 (MANE Select); coding-DNA position 1079, G replaced by C.
Protein change: p.Gly360Ala; replaces glycine 360 with alanine.
Molecular consequence: missense variant.
Genome position (GRCh38, 1-based): chr12:47,989,271, C>G on the plus strand (G>C on the coding strand, the complement: COL2A1 is on the minus strand). VCF-style: chr12-47989271-C-G. GRCh37 (hg19) VCF-style: chr12-48383054-C-G.
Other names: c.872G>C, p.Gly291Ala (NM_033150.3); short protein forms G291A, G360A.
Identifiers: ClinVar variation 3653364 (VCV003653364.2).

ClinVar aggregate classification (germline): Likely pathogenic (1 of 4 stars; one submission).

gnomAD v4.1: 1 of 1,612,994 alleles (0.000062%); highest among the groups gnomAD compares: South Asian, 0.0011%; no homozygotes.

Submission:

Labcorp Genetics (formerly Invitae), Labcorp
Classification: Likely pathogenic. Last evaluated: 2024-05-24. Review status: criteria provided, single submitter. Criteria: Invitae Variant Classification Sherloc (09022015). Collection method: clinical testing. Allele origin: germline.
Comment: This sequence change replaces glycine, which is neutral and non-polar, with alanine, which is neutral and non-polar, at codon 360 of the COL2A1 protein (p.Gly360Ala). This variant is not present in population databases (gnomAD no frequency). This variant has not been reported in the literature in individuals affected with COL2A1-related conditions. Advanced modeling of protein sequence and biophysical properties (such as structural, functional, and spatial information, amino acid conservation, physicochemical variation, residue mobility, and thermodynamic stability) performed at Invitae indicates that this missense variant is expected to disrupt COL2A1 protein function with a positive predictive value of 95%. This variant disrupts the triple helix domain of COL2A1. Glycine residues within the Gly-Xaa-Yaa repeats of the triple helix domain are required for the structure and stability of fibrillar collagens (PMID: 7695699, 8218237, 19344236). In COL2A1, variants affecting these glycine residues are significantly enriched in individuals with disease (PMID: 9016532, 17078022) compared to the general population (ExAC). In summary, the currently available evidence indicates that the variant is pathogenic, but additional data are needed to prove that conclusively. Therefore, this variant has been classified as Likely Pathogenic.

Literature cited by the submitters: PubMed 7695699; PubMed 8218237; PubMed 19344236; PubMed 9016532; PubMed 17078022.